The following is an entry in ClinVar:

ClinVar aggregate classification (germline): Pathogenic (0 of 4 stars; one submission).

Submission:

GenMed Metabolism Lab
Classification: Pathogenic. Review status: no assertion criteria provided. Collection method: not provided. Allele origin: unknown.
Comment: p.Tyr167X, Neonatal
ClinVar note: Converted during submission from pathogenic to Pathogenic.

NM_000531.6(OTC):c.501C>A (p.Tyr167Ter)

Gene: OTC (ornithine transcarbamylase; plus strand). Cytogenetic location: Xp11.4.
Variant type: single nucleotide variant.
Coding change: c.501C>A on transcript NM_000531.6 (MANE Select); coding-DNA position 501, C replaced by A.
Protein change: p.Tyr167Ter; replaces tyrosine 167 with a stop codon.
Molecular consequence: nonsense.
Genome position (GRCh38, 1-based): chrX:38,401,389, C>A. VCF-style: chrX-38401389-C-A. GRCh37 (hg19) VCF-style: chrX-38260642-C-A.
Other names: short protein forms Y167*.
Identifiers: ClinVar variation 97222 (VCV000097222.2), dbSNP rs66564822, ClinGen allele CA224646.